The following is an entry in ClinVar:

NM_014704.4(CEP104):c.790del (p.Glu264fs)

Gene: CEP104 (centrosomal protein 104; minus strand). Cytogenetic location: 1p36.32.
Variant type: Deletion.
Coding change: c.790del on transcript NM_014704.4 (MANE Select); coding-DNA position 790, one base deleted (G; older notation c.790delG).
Protein change: p.Glu264fs; shifts the reading frame from glutamic acid 264.
Molecular consequence: frameshift variant.
Genome position (GRCh38, 1-based): chr1:3,839,065, C deleted on the plus strand (G on the coding strand, the reverse complement: CEP104 is on the minus strand); the first of 2 consecutive C bases (chr1:3,839,065-3,839,066); deleting either gives the same sequence. VCF-style (leftmost placement, unchanged base first): chr1-3839064-TC-T. GRCh37 (hg19) VCF-style: chr1-3755628-TC-T.
Other names: short protein forms E264fs.
Identifiers: ClinVar variation 5038146 (VCV005038146.1).
Genomic context (GRCh38, chr1:3,839,064, plus strand): 5'-TACACCTCGGCACGATACTGCTCCATCTGCTGCTTCTTCTCCTTGGCGAGATCGTAGTCT[TC>T]CTTCTCCACGGCACAGCGTTTCTCTACCTCATACCTCCCAAGGCGTTCACCAACCTGAAG-3'

ClinVar aggregate classification (germline): Likely pathogenic (1 of 4 stars; one submission).

Conditions:
Joubert syndrome 25 (JBTS25). Identifiers: Orphanet 475, MedGen C4084842, MONDO:0014770, OMIM 616781.

Submission:

MVZ Medizinische Genetik Mainz
Classification: Likely pathogenic for Joubert syndrome 25. Last evaluated: 2026-02-26. Review status: criteria provided, single submitter. Criteria: UK Practice Guidelines For Variant Classification V4 01 2020. Collection method: clinical testing. Allele origin: germline. Inheritance: Autosomal recessive inheritance. Affected: yes. Observed: 1 variant allele.
Comment: ACMG Criteria: PVS1,PM2_SUP